The following is an entry in ClinVar:

ClinVar aggregate classification (germline): Pathogenic/Likely pathogenic. Review status: criteria provided, multiple submitters, no conflicts (2 of 4 stars). 3 submissions from 3 submitters: Pathogenic (2); Likely pathogenic (1). Last evaluated 2025-02-19.

Conditions:
Poirier-Bienvenu neurodevelopmental syndrome (POBINDS). Identifiers: Orphanet 689397, MedGen C5231482, MONDO:0032889, OMIM 618732.

Submissions (3):

Genetics Department, Catlab
Classification: Likely pathogenic for Poirier-Bienvenu neurodevelopmental syndrome. Last evaluated: 2025-02-19. Review status: criteria provided, single submitter. Criteria: ACMG Guidelines, 2015. Collection method: clinical testing. Allele origin: germline. Affected: yes. Observed: 1 variant allele.
Comment: The c.292-2A>C variant in the CSNK2B gene is a loss of function variant predicted to undergo nonsense mediated decay, and loss of function variants have been described as a causing mechanism for the gene (PVS1). The variant is not present in the gnomAD database (PM2). With all the available evidence, the variant is classified as likely pathogenic.

Breakthrough Genomics
Classification: Pathogenic for Poirier-Bienvenu neurodevelopmental syndrome. Last evaluated: 2021-08-24. Review status: criteria provided, single submitter. Criteria: ACMG Guidelines, 2015. Collection method: clinical testing. Allele origin: germline. Affected: yes.
Comment: This variant has not been reported in individuals with CSNK2B-related disorders. However, another splice site variant affecting the same position c.292-2A>T, has been reported in a child with Poirier-Bienvenu neurodevelopmental syndrome [PMID: 34370157].

Baylor Genetics
Classification: Pathogenic for Poirier-Bienvenu neurodevelopmental syndrome. Last evaluated: 2020-03-05. Review status: criteria provided, single submitter. Criteria: ACMG Guidelines, 2015. Collection method: clinical testing. Allele origin: de novo. Affected: yes.
Comment: This variant was determined to be pathogenic according to ACMG Guidelines, 2015 [PMID:25741868].

NM_001320.7(CSNK2B):c.292-2A>C

Gene: CSNK2B (casein kinase 2 beta; plus strand). Cytogenetic location: 6p21.33.
Variant type: single nucleotide variant.
Coding change: c.292-2A>C on transcript NM_001320.7 (MANE Select); the canonical splice acceptor site of the intron before coding-DNA position 292, A replaced by C.
Molecular consequence: splice acceptor variant.
Genome position (GRCh38, 1-based): chr6:31,669,095, A>C. VCF-style: chr6-31669095-A-C. GRCh37 (hg19) VCF-style: chr6-31636872-A-C.
Other names: c.292-2A>C (NM_001282385.1, NM_001282385.2).
Identifiers: ClinVar variation 1030427 (VCV001030427.4), dbSNP rs1802000298, ClinGen allele CA363474289.